The following is an entry in ClinVar:

NM_002473.6(MYH9):c.5508G>C (p.Gln1836His)

Gene: MYH9 (myosin heavy chain 9; minus strand). Cytogenetic location: 22q12.3.
Variant type: single nucleotide variant.
Coding change: c.5508G>C on transcript NM_002473.6 (MANE Select); coding-DNA position 5508, G replaced by C.
Protein change: p.Gln1836His; replaces glutamine 1836 with histidine.
Molecular consequence: missense variant.
Genome position (GRCh38, 1-based): chr22:36,284,487, C>G on the plus strand (G>C on the coding strand, the complement: MYH9 is on the minus strand). VCF-style: chr22-36284487-C-G. GRCh37 (hg19) VCF-style: chr22-36680533-C-G.
Other names: short protein forms Q1836H.
Identifiers: ClinVar variation 3358448 (VCV003358448.4).

ClinVar aggregate classification (germline): Uncertain significance. Review status: criteria provided, multiple submitters, no conflicts (2 of 4 stars). 2 submissions from 2 submitters: Uncertain significance (2). Last evaluated 2025-08-20.

Conditions:
MYH9-related disorder. Identifiers: MedGen C1854520.

gnomAD v4.1: 11 of 1,613,188 alleles (0.00068%); highest among the groups gnomAD compares: East Asian, 0.0022%; no homozygotes.

Submissions (2):

PreventionGenetics, part of Exact Sciences
Classification: Uncertain significance for MYH9-related condition. Last evaluated: 2025-08-20. Review status: criteria provided, single submitter. Criteria: ACMG Guidelines, 2015. Collection method: clinical testing. Allele origin: germline.
Comment: The MYH9 c.5508G>C variant is predicted to result in the amino acid substitution p.Gln1836His. To our knowledge, this variant has not been reported in the literature. This variant is reported in 0.0065% of alleles in individuals of South Asian descent in gnomAD. At this time, the clinical significance of this variant is uncertain due to the absence of conclusive functional and genetic evidence.

Labcorp Genetics (formerly Invitae), Labcorp
Classification: Uncertain significance. Last evaluated: 2025-01-27. Review status: criteria provided, single submitter. Criteria: Invitae Variant Classification Sherloc (09022015). Collection method: clinical testing. Allele origin: germline.
Comment: This sequence change replaces glutamine, which is neutral and polar, with histidine, which is basic and polar, at codon 1836 of the MYH9 protein (p.Gln1836His). This variant is present in population databases (no rsID available, gnomAD 0.003%). This variant has not been reported in the literature in individuals affected with MYH9-related conditions. ClinVar contains an entry for this variant (Variation ID: 3358448). Invitae Evidence Modeling of protein sequence and biophysical properties (such as structural, functional, and spatial information, amino acid conservation, physicochemical variation, residue mobility, and thermodynamic stability) indicates that this missense variant is not expected to disrupt MYH9 protein function with a negative predictive value of 95%. In summary, the available evidence is currently insufficient to determine the role of this variant in disease. Therefore, it has been classified as a Variant of Uncertain Significance.